The following is an entry in ClinVar:

ClinVar aggregate classification (germline): Likely benign. Review status: criteria provided, single submitter (1 of 4 stars). 2 submissions from 2 submitters: Likely benign (1). 1 of the submissions does not count toward it. Last evaluated 2025-12-23.

Conditions:
KCNH1-related disorder. Also called: KCNH1-related disorders; KCNH1-related condition.

Allele frequency attached by ClinVar (database versions not stated): ExAC 0.00002; gnomAD exomes 0.00003 and 0.00005; gnomAD 0.00005 and 0.00006; TOPMed 0.00006; ESP Exome Variant Server 0.00008.
gnomAD v4.1: 74 of 1,614,008 alleles (0.0046%); highest among the groups gnomAD compares: African/African-American, 0.016%; 1 homozygote.

Submissions (2):

Labcorp Genetics (formerly Invitae), Labcorp
Classification: Likely benign. Last evaluated: 2025-12-23. Review status: criteria provided, single submitter. Criteria: Invitae Variant Classification Sherloc (09022015). Collection method: clinical testing. Allele origin: germline.

PreventionGenetics, part of Exact Sciences
Classification: Likely benign for KCNH1-related condition. Last evaluated: 2019-09-06. Review status: no assertion criteria provided. Collection method: clinical testing. Allele origin: germline. Not counted in ClinVar's aggregate classification.
Comment: This variant is classified as likely benign based on ACMG/AMP sequence variant interpretation guidelines (Richards et al. 2015 PMID: 25741868, with internal and published modifications).

NM_172362.3(KCNH1):c.1221C>T (p.Asp407=)

Gene: KCNH1 (potassium voltage-gated channel subfamily H member 1; minus strand). Cytogenetic location: 1q32.2.
Variant type: single nucleotide variant.
Coding change: c.1221C>T on transcript NM_172362.3 (MANE Select); coding-DNA position 1221, C replaced by T.
Protein change: p.Asp407=; no amino-acid change (aspartic acid 407 retained).
Molecular consequence: synonymous variant.
Genome position (GRCh38, 1-based): chr1:210,919,881, G>A on the plus strand (C>T on the coding strand, the complement: KCNH1 is on the minus strand). VCF-style: chr1-210919881-G-A. GRCh37 (hg19) VCF-style: chr1-211093223-G-A.
Other names: c.1140C>T, p.Asp380= (NM_002238.4); c.1221C>T (NM_172362.2).
Identifiers: ClinVar variation 1581831 (VCV001581831.10), dbSNP rs138866428, ClinGen allele CA1379906.